The following is an entry in ClinVar:

NM_001378454.1(ALMS1):c.11248A>C (p.Thr3750Pro)

Gene: ALMS1 (ALMS1 centrosome and basal body associated protein; plus strand). Cytogenetic location: 2p13.1.
Variant type: single nucleotide variant.
Coding change: c.11248A>C on transcript NM_001378454.1 (MANE Select); coding-DNA position 11248, A replaced by C.
Protein change: p.Thr3750Pro; replaces threonine 3750 with proline.
Molecular consequence: missense variant.
Genome position (GRCh38, 1-based): chr2:73,573,125, A>C. VCF-style: chr2-73573125-A-C. GRCh37 (hg19) VCF-style: chr2-73800252-A-C.
Other names: c.11251A>C, p.Thr3751Pro (NM_015120.4); short protein forms T3750P, T3751P.
Identifiers: ClinVar variation 3044556 (VCV003044556.1), dbSNP rs2466446724, ClinGen allele CA347288609.

ClinVar aggregate classification (germline): Uncertain significance (1 of 4 stars; one submission).

Conditions:
ALMS1-related disorder. Also called: ALMS1-related condition.

Submission:

PreventionGenetics, part of Exact Sciences
Classification: Uncertain significance for ALMS1-related condition. Last evaluated: 2024-01-18. Review status: criteria provided, single submitter. Criteria: ACMG Guidelines, 2015. Collection method: clinical testing. Allele origin: germline.
Comment: The ALMS1 c.11251A>C variant is predicted to result in the amino acid substitution p.Asn3751His. To our knowledge, this variant has not been reported in the literature. This variant is reported in 0.012% of alleles in individuals of Latino descent in gnomAD. At this time, the clinical significance of this variant is uncertain due to the absence of conclusive functional and genetic evidence.